The following is an entry in ClinVar:

ClinVar aggregate classification (germline): Uncertain significance (1 of 4 stars; one submission).

Conditions:
Saldino-Mainzer syndrome (SRTD9). Also called: CONORENAL SYNDROME; Renal dysplasia, retinal pigmentary dystrophy, cerebellar ataxia and skeletal dysplasia; SHORT-RIB THORACIC DYSPLASIA 9 WITHOUT POLYDACTYLY; short-rib thoracic dysplasia 9 with or without polydactyly. Identifiers: Orphanet 140969, MedGen C1849437, MONDO:0009964, OMIM 266920.

gnomAD v4.1: 3 of 1,614,098 alleles (0.00019%); highest among the groups gnomAD compares: African/African-American, 0.0013%; no homozygotes.

Submission:

Labcorp Genetics (formerly Invitae), Labcorp
Classification: Uncertain significance for Saldino-Mainzer syndrome. Last evaluated: 2025-10-29. Review status: criteria provided, single submitter. Criteria: Invitae Variant Classification Sherloc (09022015). Collection method: clinical testing. Allele origin: germline.
Comment: This sequence change replaces methionine, which is neutral and non-polar, with leucine, which is neutral and non-polar, at codon 239 of the IFT140 protein (p.Met239Leu). This variant is present in population databases (no rsID available, gnomAD 0.006%). This variant has not been reported in the literature in individuals affected with IFT140-related conditions. Invitae Evidence Modeling of protein sequence and biophysical properties (such as structural, functional, and spatial information, amino acid conservation, physicochemical variation, residue mobility, and thermodynamic stability) indicates that this missense variant is not expected to disrupt IFT140 protein function with a negative predictive value of 95%. In summary, the available evidence is currently insufficient to determine the role of this variant in disease. Therefore, it has been classified as a Variant of Uncertain Significance.

NM_014714.4(IFT140):c.715A>C (p.Met239Leu)

Genes: IFT140 (intraflagellar transport 140; minus strand), LOC105371046 (uncharacterized LOC105371046; plus strand). Cytogenetic location: 16p13.3.
Variant type: single nucleotide variant.
Coding change: c.715A>C on transcript NM_014714.4 (MANE Select); coding-DNA position 715, A replaced by C.
Protein change: p.Met239Leu; replaces methionine 239 with leucine.
Molecular consequence: missense variant.
Genome position (GRCh38, 1-based): chr16:1,589,700, T>G on the plus strand (A>C on the coding strand, the complement: IFT140 is on the minus strand). VCF-style: chr16-1589700-T-G. GRCh37 (hg19) VCF-style: chr16-1639701-T-G.
Other names: short protein forms M239L.
Identifiers: ClinVar variation 4700123 (VCV004700123.1).